The following is an entry in ClinVar:

NM_015466.4(PTPN23):c.4910G>C (p.Ter1637Ser)

Gene: PTPN23 (protein tyrosine phosphatase non-receptor type 23; plus strand). Cytogenetic location: 3p21.31.
Variant type: single nucleotide variant.
Coding change: c.4910G>C on transcript NM_015466.4 (MANE Select); coding-DNA position 4910, G replaced by C.
Protein change: p.Ter1637Ser.
Molecular consequence: stop lost.
Genome position (GRCh38, 1-based): chr3:47,413,184, G>C. VCF-style: chr3-47413184-G-C. GRCh37 (hg19) VCF-style: chr3-47454674-G-C.
Other names: c.4532G>C, p.Ter1511Ser (NM_001304482.2).
Identifiers: ClinVar variation 1996779 (VCV001996779.4), dbSNP rs142269660, ClinGen allele CA352569673.

ClinVar aggregate classification (germline): Uncertain significance (1 of 4 stars; one submission).

Submission:

Labcorp Genetics (formerly Invitae), Labcorp
Classification: Uncertain significance. Last evaluated: 2022-05-20. Review status: criteria provided, single submitter. Criteria: Invitae Variant Classification Sherloc (09022015). Collection method: clinical testing. Allele origin: germline.
Comment: This variant has not been reported in the literature in individuals affected with PTPN23-related conditions. This variant is not present in population databases (gnomAD no frequency). This sequence change disrupts the translational stop signal of the PTPN23 mRNA. It is expected to extend the length of the PTPN23 protein by 77 additional amino acid residues. In summary, the available evidence is currently insufficient to determine the role of this variant in disease. Therefore, it has been classified as a Variant of Uncertain Significance.